The following is an entry in ClinVar:

ClinVar aggregate classification (germline): Uncertain significance. Review status: criteria provided, multiple submitters, no conflicts (2 of 4 stars). 2 submissions from 2 submitters: Uncertain significance (2). Last evaluated 2024-06-07.

Conditions:
Bardet-Biedl syndrome (BBS). Identifiers: Orphanet 110, MedGen C0752166, MONDO:0015229.
Bardet-Biedl syndrome 9 (BBS9). Identifiers: Orphanet 110, MedGen C1859567, MONDO:0014437, OMIM 615986.

Allele frequency attached by ClinVar (database versions not stated): gnomAD exomes below 0.00001; ExAC 0.00001; gnomAD 0.00001; TOPMed 0.00002; ESP Exome Variant Server 0.00008.

Submissions (2):

Fulgent Genetics
Classification: Uncertain significance for Bardet-Biedl syndrome 9. Last evaluated: 2024-06-07. Review status: criteria provided, single submitter. Criteria: ACMG Guidelines, 2015. Collection method: clinical testing. Allele origin: germline.

Labcorp Genetics (formerly Invitae), Labcorp
Classification: Uncertain significance for Bardet-Biedl syndrome. Last evaluated: 2021-09-23. Review status: criteria provided, single submitter. Criteria: Invitae Variant Classification Sherloc (09022015). Collection method: clinical testing. Allele origin: germline.
Comment: This sequence change replaces methionine with valine at codon 157 of the BBS9 protein (p.Met157Val). The methionine residue is highly conserved and there is a small physicochemical difference between methionine and valine. This variant is present in population databases (rs148763093, ExAC 0.01%). This variant has not been reported in the literature in individuals affected with BBS9-related conditions. Algorithms developed to predict the effect of missense changes on protein structure and function output the following: SIFT: "Tolerated"; PolyPhen-2: "Benign"; Align-GVGD: "Class C0". The valine amino acid residue is found in multiple mammalian species, which suggests that this missense change does not adversely affect protein function. In summary, the available evidence is currently insufficient to determine the role of this variant in disease. Therefore, it has been classified as a Variant of Uncertain Significance.

NM_198428.3(BBS9):c.469A>G (p.Met157Val)

Gene: BBS9 (Bardet-Biedl syndrome 9; plus strand). Cytogenetic location: 7p14.3.
Variant type: single nucleotide variant.
Coding change: c.469A>G on transcript NM_198428.3 (MANE Select); coding-DNA position 469, A replaced by G.
Protein change: p.Met157Val; replaces methionine 157 with valine.
Molecular consequence: missense variant. On other transcripts: non-coding transcript variant (3).
Genome position (GRCh38, 1-based): chr7:33,257,262, A>G. VCF-style: chr7-33257262-A-G. GRCh37 (hg19) VCF-style: chr7-33296874-A-G.
Other names: c.469A>G, p.Met157Val (NM_001033604.2, NM_001033605.2, NM_001348036.1 and 5 more transcripts); c.103A>G, p.Met35Val (NM_001348037.3, NM_001348044.3, NM_001348045.3 and 1 more transcripts); c.196A>G, p.Met66Val (NM_001348038.3, NM_001348039.3); c.334A>G, p.Met112Val (NM_001348042.3); short protein forms M157V, M112V, M35V, M66V.
Identifiers: ClinVar variation 1367440 (VCV001367440.4), dbSNP rs148763093, ClinGen allele CA4214018.